The following is an entry in ClinVar:

ClinVar aggregate classification (germline): Uncertain significance (1 of 4 stars; one submission).

Conditions:
Peroxisome biogenesis disorder 11A (Zellweger). Also called: Peroxisome biogenesis disorder 11A. Identifiers: Orphanet 912, MedGen C3554000, MONDO:0013949, OMIM 614883.

Allele frequency attached by ClinVar (database versions not stated): ExAC 0.00001; gnomAD exomes 0.00001.
gnomAD v4.1: 3 of 1,613,914 alleles (0.00019%); highest among the groups gnomAD compares: Non-Finnish European, 0.00025%; no homozygotes.

Submission:

Labcorp Genetics (formerly Invitae), Labcorp
Classification: Uncertain significance for Peroxisome biogenesis disorder 11A (Zellweger). Last evaluated: 2022-08-16. Review status: criteria provided, single submitter. Criteria: Invitae Variant Classification Sherloc (09022015). Collection method: clinical testing. Allele origin: germline.
Comment: This sequence change replaces leucine, which is neutral and non-polar, with methionine, which is neutral and non-polar, at codon 35 of the PEX13 protein (p.Leu35Met). This variant is present in population databases (rs752671523, gnomAD 0.002%). This variant has not been reported in the literature in individuals affected with PEX13-related conditions. ClinVar contains an entry for this variant (Variation ID: 1047652). Algorithms developed to predict the effect of missense changes on protein structure and function are either unavailable or do not agree on the potential impact of this missense change (SIFT: "Tolerated"; PolyPhen-2: "Possibly Damaging"; Align-GVGD: "Class C0"). In summary, the available evidence is currently insufficient to determine the role of this variant in disease. Therefore, it has been classified as a Variant of Uncertain Significance.

NM_002618.4(PEX13):c.103T>A (p.Leu35Met)

Gene: PEX13 (peroxisomal biogenesis factor 13; plus strand). Cytogenetic location: 2p15.
Variant type: single nucleotide variant.
Coding change: c.103T>A on transcript NM_002618.4 (MANE Select); coding-DNA position 103, T replaced by A.
Protein change: p.Leu35Met; replaces leucine 35 with methionine.
Molecular consequence: missense variant.
Genome position (GRCh38, 1-based): chr2:61,031,429, T>A. VCF-style: chr2-61031429-T-A. GRCh37 (hg19) VCF-style: chr2-61258564-T-A.
Other names: short protein forms L35M.
Identifiers: ClinVar variation 1047652 (VCV001047652.6), dbSNP rs752671523, ClinGen allele CA1673235.